The following is an entry in ClinVar:

ClinVar aggregate classification (germline): Uncertain significance (0 of 4 stars; one submission).

Conditions:
SLCO1B3-related disorder. Also called: SLCO1B3-related condition.

Allele frequency attached by ClinVar (database versions not stated): gnomAD exomes below 0.00001; TOPMed below 0.00001; ExAC 0.00001; gnomAD 0.00001.
gnomAD v4.1: 3 of 1,592,796 alleles (0.00019%); highest among the groups gnomAD compares: African/African-American, 0.0041%; no homozygotes.

Submission:

PreventionGenetics, part of Exact Sciences
Classification: Uncertain significance for SLCO1B3-related condition. Last evaluated: 2024-01-16. Review status: no assertion criteria provided. Collection method: clinical testing. Allele origin: germline.
Comment: The SLCO1B3 c.1328A>G variant is predicted to result in the amino acid substitution p.Asp443Gly. To our knowledge, this variant has not been reported in the literature. This variant is reported in 0.0062% of alleles in individuals of African descent in gnomAD. At this time, the clinical significance of this variant is uncertain due to the absence of conclusive functional and genetic evidence.

NM_019844.4(SLCO1B3):c.1328A>G (p.Asp443Gly)

Genes: SLCO1B3 (solute carrier organic anion transporter family member 1B3; plus strand), SLCO1B3-SLCO1B7 (SLCO1B3-SLCO1B7 readthrough; plus strand). Cytogenetic location: 12p12.2.
Variant type: single nucleotide variant.
Coding change: c.1328A>G on transcript NM_019844.4 (MANE Select); coding-DNA position 1328, A replaced by G.
Protein change: p.Asp443Gly; replaces aspartic acid 443 with glycine.
Molecular consequence: missense variant.
Genome position (GRCh38, 1-based): chr12:20,879,628, A>G. VCF-style: chr12-20879628-A-G. GRCh37 (hg19) VCF-style: chr12-21032562-A-G.
Other names: c.1328A>G, p.Asp443Gly (NM_001371097.1); c.1244A>G, p.Asp415Gly (NM_001349920.2); short protein forms D415G, D443G.
Identifiers: ClinVar variation 3032765 (VCV003032765.2), dbSNP rs771567653, ClinGen allele CA6475523.